The following is an entry in ClinVar:

NM_000361.3(THBD):c.521C>T (p.Thr174Ile)

Gene: THBD (thrombomodulin; minus strand). Cytogenetic location: 20p11.21.
Variant type: single nucleotide variant.
Coding change: c.521C>T on transcript NM_000361.3 (MANE Select); coding-DNA position 521, C replaced by T.
Protein change: p.Thr174Ile; replaces threonine 174 with isoleucine.
Molecular consequence: missense variant.
Genome position (GRCh38, 1-based): chr20:23,048,984, G>A on the plus strand (C>T on the coding strand, the complement: THBD is on the minus strand). VCF-style: chr20-23048984-G-A. GRCh37 (hg19) VCF-style: chr20-23029621-G-A.
Other names: short protein forms T174I.
Identifiers: ClinVar variation 2084465 (VCV002084465.4), dbSNP rs768953360, ClinGen allele CA9787726.

ClinVar aggregate classification (germline): Uncertain significance (1 of 4 stars; one submission).

Allele frequency attached by ClinVar (database versions not stated): gnomAD exomes below 0.00001; ExAC 0.00005; TOPMed 0.00006.

Submission:

Labcorp Genetics (formerly Invitae), Labcorp
Classification: Uncertain significance. Last evaluated: 2025-06-12. Review status: criteria provided, single submitter. Criteria: Invitae Variant Classification Sherloc (09022015). Collection method: clinical testing. Allele origin: germline.
Comment: This sequence change replaces threonine, which is neutral and polar, with isoleucine, which is neutral and non-polar, at codon 174 of the THBD protein (p.Thr174Ile). This variant is present in population databases (rs768953360, gnomAD 0.007%). This variant has not been reported in the literature in individuals affected with THBD-related conditions. ClinVar contains an entry for this variant (Variation ID: 2084465). Invitae Evidence Modeling of protein sequence and biophysical properties (such as structural, functional, and spatial information, amino acid conservation, physicochemical variation, residue mobility, and thermodynamic stability) indicates that this missense variant is not expected to disrupt THBD protein function with a negative predictive value of 80%. In summary, the available evidence is currently insufficient to determine the role of this variant in disease. Therefore, it has been classified as a Variant of Uncertain Significance.